The following is an entry in ClinVar:

ClinVar aggregate classification (germline): Uncertain significance. Review status: criteria provided, multiple submitters, no conflicts (2 of 4 stars). 3 submissions from 3 submitters: Uncertain significance (3). Last evaluated 2025-06-24.

Allele frequency attached by ClinVar (database versions not stated): gnomAD exomes below 0.00001 and 0.00001; gnomAD 0.00001; TOPMed 0.00001.
gnomAD v4.1: 20 of 1,613,938 alleles (0.0012%); highest among the groups gnomAD compares: Admixed American, 0.0017%; no homozygotes.

Submissions (3):

Ambry Genetics
Classification: Uncertain significance. Last evaluated: 2025-06-24. Review status: criteria provided, single submitter. Criteria: Ambry Variant Classification Scheme 2023. Collection method: clinical testing. Allele origin: germline.

Labcorp Genetics (formerly Invitae), Labcorp
Classification: Uncertain significance. Last evaluated: 2020-07-08. Review status: criteria provided, single submitter. Criteria: Invitae Variant Classification Sherloc (09022015). Collection method: clinical testing. Allele origin: germline.
Comment: This sequence change replaces arginine with histidine at codon 579 of the PRPF6 protein (p.Arg579His). The arginine residue is highly conserved and there is a small physicochemical difference between arginine and histidine. This variant is not present in population databases (ExAC no frequency). This variant has not been reported in the literature in individuals with PRPF6-related conditions. Algorithms developed to predict the effect of missense changes on protein structure and function are either unavailable or do not agree on the potential impact of this missense change (SIFT: "Deleterious"; PolyPhen-2: "Possibly Damaging"; Align-GVGD: "Class C0"). In summary, the available evidence is currently insufficient to determine the role of this variant in disease. Therefore, it has been classified as a Variant of Uncertain Significance.

Blueprint Genetics
Classification: Uncertain significance. Last evaluated: 2019-11-28. Review status: criteria provided, single submitter. Criteria: ACMG Guidelines, 2015. Collection method: clinical testing. Allele origin: germline.

NM_012469.4(PRPF6):c.1736G>A (p.Arg579His)

Gene: PRPF6 (pre-mRNA processing factor 6; plus strand). Cytogenetic location: 20q13.33.
Variant type: single nucleotide variant.
Coding change: c.1736G>A on transcript NM_012469.4 (MANE Select); coding-DNA position 1736, G replaced by A.
Protein change: p.Arg579His; replaces arginine 579 with histidine.
Molecular consequence: missense variant.
Genome position (GRCh38, 1-based): chr20:64,022,845, G>A. VCF-style: chr20-64022845-G-A. GRCh37 (hg19) VCF-style: chr20-62654198-G-A.
Other names: c.1736G>A (NM_012469.3); short protein forms R579H.
Identifiers: ClinVar variation 1019713 (VCV001019713.10), dbSNP rs1472653825, ClinGen allele CA409733684.